The following is an entry in ClinVar:

ClinVar aggregate classification (germline): Uncertain significance (1 of 4 stars; one submission).

Conditions:
Hepatic veno-occlusive disease-immunodeficiency syndrome. Also called: Hepatic Veno-Occlusive Disease with Immunodeficiency. Identifiers: Orphanet 79124, MedGen C1856128, MONDO:0009338, OMIM 235550. Disease mechanism: loss of function.

gnomAD v4.1: 1 of 1,614,138 alleles (0.000062%); highest among the groups gnomAD compares: Non-Finnish European, 0.000085%; no homozygotes.

Submission:

Labcorp Genetics (formerly Invitae), Labcorp
Classification: Uncertain significance for Hepatic veno-occlusive disease-immunodeficiency syndrome. Last evaluated: 2021-10-28. Review status: criteria provided, single submitter. Criteria: Invitae Variant Classification Sherloc (09022015). Collection method: clinical testing. Allele origin: germline.
Comment: In summary, the available evidence is currently insufficient to determine the role of this variant in disease. Therefore, it has been classified as a Variant of Uncertain Significance. Algorithms developed to predict the effect of missense changes on protein structure and function are either unavailable or do not agree on the potential impact of this missense change (SIFT: "Deleterious"; PolyPhen-2: "Benign"; Align-GVGD: "Class C0"). This variant has not been reported in the literature in individuals affected with SP110-related conditions. This variant is not present in population databases (gnomAD no frequency). This sequence change replaces lysine, which is basic and polar, with asparagine, which is neutral and polar, at codon 311 of the SP110 protein (p.Lys311Asn).

NM_080424.4(SP110):c.933G>C (p.Lys311Asn)

Genes: SP110 (SP110 nuclear body protein; minus strand), SP140 (SP140 nuclear body protein; plus strand). Cytogenetic location: 2q37.1.
Variant type: single nucleotide variant.
Coding change: c.933G>C on transcript NM_080424.4 (MANE Select); coding-DNA position 933, G replaced by C.
Protein change: p.Lys311Asn; replaces lysine 311 with asparagine.
Molecular consequence: missense variant. On other transcripts: intron variant (1).
Genome position (GRCh38, 1-based): chr2:230,202,694, C>G on the plus strand (G>C on the coding strand, the complement: SP110 is on the minus strand). VCF-style: chr2-230202694-C-G. GRCh37 (hg19) VCF-style: chr2-231067410-C-G.
Other names: c.951G>C, p.Lys317Asn (NM_001185015.2, NM_001378442.1, NM_001378444.1 and 2 more transcripts); c.933G>C, p.Lys311Asn (NM_001378443.1, NM_004509.5, NM_004510.4); c.899-1729G>C (NM_001378447.1); short protein forms K311N, K317N.
Identifiers: ClinVar variation 1485219 (VCV001485219.6), dbSNP rs2148861711, ClinGen allele CA350911840.